The following is an entry in ClinVar:

NM_001375834.1(WIPF1):c.374G>A (p.Arg125Gln)

Gene: WIPF1 (WAS/WASL interacting protein family member 1; minus strand). Cytogenetic location: 2q31.1.
Variant type: single nucleotide variant.
Coding change: c.374G>A on transcript NM_001375834.1 (MANE Select); coding-DNA position 374, G replaced by A.
Protein change: p.Arg125Gln; replaces arginine 125 with glutamine.
Molecular consequence: missense variant. On other transcripts: intron variant (1).
Genome position (GRCh38, 1-based): chr2:174,572,431, C>T on the plus strand (G>A on the coding strand, the complement: WIPF1 is on the minus strand). VCF-style: chr2-174572431-C-T. GRCh37 (hg19) VCF-style: chr2-175437159-C-T.
Other names: c.374G>A, p.Arg125Gln (NM_001077269.1, NM_001375832.1, NM_001375833.1 and 5 more transcripts); c.182-186G>A (NM_001375839.1); short protein forms R125Q.
Identifiers: ClinVar variation 2421712 (VCV002421712.5), dbSNP rs747543329, ClinGen allele CA1974137.

ClinVar aggregate classification (germline): Uncertain significance. Review status: criteria provided, multiple submitters, no conflicts (2 of 4 stars). 2 submissions from 2 submitters: Uncertain significance (2). Last evaluated 2023-10-20.

Conditions:
Inborn genetic diseases. Identifiers: MedGen C0950123, MeSH D030342.
Wiskott-Aldrich syndrome 2 (WAS2). Also called: WIPF1 DEFICIENCY. Identifiers: Orphanet 906, MedGen C3281001, MONDO:0013779, OMIM 614493.

Allele frequency attached by ClinVar (database versions not stated): ExAC 0.00003; TOPMed 0.00004; gnomAD 0.00005.
gnomAD v4.1: 79 of 1,613,922 alleles (0.0049%); highest among the groups gnomAD compares: Non-Finnish European, 0.0066%; no homozygotes.

Submissions (2):

Ambry Genetics
Classification: Uncertain significance for Inborn genetic diseases. Last evaluated: 2023-10-20. Review status: criteria provided, single submitter. Criteria: Ambry Variant Classification Scheme 2023. Collection method: clinical testing. Allele origin: germline.

Labcorp Genetics (formerly Invitae), Labcorp
Classification: Uncertain significance for Wiskott-Aldrich syndrome 2. Last evaluated: 2022-07-30. Review status: criteria provided, single submitter. Criteria: Invitae Variant Classification Sherloc (09022015). Collection method: clinical testing. Allele origin: germline.
Comment: This sequence change replaces arginine, which is basic and polar, with glutamine, which is neutral and polar, at codon 125 of the WIPF1 protein (p.Arg125Gln). This variant is present in population databases (rs747543329, gnomAD 0.004%). This variant has not been reported in the literature in individuals affected with WIPF1-related conditions. Algorithms developed to predict the effect of missense changes on protein structure and function are either unavailable or do not agree on the potential impact of this missense change (SIFT: "Not Available"; PolyPhen-2: "Probably Damaging"; Align-GVGD: "Not Available"). In summary, the available evidence is currently insufficient to determine the role of this variant in disease. Therefore, it has been classified as a Variant of Uncertain Significance.